The following is an entry in ClinVar:

NM_017934.7(PHIP):c.1653+8A>T

Gene: PHIP (PHIP subunit of CUL4-Ring ligase complex; minus strand). Cytogenetic location: 6q14.1.
Variant type: single nucleotide variant.
Coding change: c.1653+8A>T on transcript NM_017934.7 (MANE Select); 8 bases into the intron after coding-DNA position 1653, A replaced by T.
Molecular consequence: intron variant.
Genome position (GRCh38, 1-based): chr6:79,003,722, T>A on the plus strand (A>T on the coding strand, the complement: PHIP is on the minus strand). VCF-style: chr6-79003722-T-A. GRCh37 (hg19) VCF-style: chr6-79713439-T-A.
Other names: c.1653+8A>T (NM_017934.6).
Identifiers: ClinVar variation 2778897 (VCV002778897.4), dbSNP rs1268719217, ClinGen allele CA568274780.

ClinVar aggregate classification (germline): Likely benign. Review status: criteria provided, multiple submitters, no conflicts (2 of 4 stars). 2 submissions from 2 submitters: Likely benign (2). Last evaluated 2024-12-18.

Conditions:
PHIP-related disorder. Also called: PHIP-related condition; PHIP-related disorders.

Submissions (2):

PreventionGenetics, part of Exact Sciences
Classification: Likely benign for PHIP-related condition. Last evaluated: 2024-12-18. Review status: criteria provided, single submitter. Criteria: ACMG Guidelines, 2015. Collection method: clinical testing. Allele origin: germline.
Comment: This variant is classified as likely benign based on ACMG/AMP sequence variant interpretation guidelines (Richards et al. 2015 PMID: 25741868, with internal and published modifications).

Labcorp Genetics (formerly Invitae), Labcorp
Classification: Likely benign. Last evaluated: 2023-02-28. Review status: criteria provided, single submitter. Criteria: Invitae Variant Classification Sherloc (09022015). Collection method: clinical testing. Allele origin: germline.